The following is an entry in ClinVar:

NM_005726.6(TSFM):c.245T>C (p.Leu82Pro)

Gene: TSFM (Ts translation elongation factor, mitochondrial; plus strand). Cytogenetic location: 12q14.1.
Variant type: single nucleotide variant.
Coding change: c.245T>C on transcript NM_005726.6 (MANE Select); coding-DNA position 245, T replaced by C.
Protein change: p.Leu82Pro; replaces leucine 82 with proline.
Molecular consequence: missense variant.
Genome position (GRCh38, 1-based): chr12:57,786,176, T>C. VCF-style: chr12-57786176-T-C. GRCh37 (hg19) VCF-style: chr12-58179959-T-C.
Other names: c.245T>C, p.Leu82Pro (NM_001172695.2, NM_001172696.2, NM_001172697.2); short protein forms L82P.
Identifiers: ClinVar variation 4781959 (VCV004781959.1).
Genomic context (GRCh38, chr12:57,786,176, plus strand): 5'-TAAATTCTGTGACTTTGTTGTCTGCTCTTTTTCCTCTCAATTTACAGGCAGAGATCTGGC[T>C]CCACAAGGAGGCCCAGAAGGAGGGCTGGAGCAAAGCTGCCAAGCTCCAAGGGAGGAAGAC-3'
Protein context (NP_005717.3, residues 72-92): GGDLKQAEIW[Leu82Pro]HKEAQKEGWS

ClinVar aggregate classification (germline): Uncertain significance (1 of 4 stars; one submission).

Submission:

Labcorp Genetics (formerly Invitae), Labcorp
Classification: Uncertain significance. Last evaluated: 2026-01-24. Review status: criteria provided, single submitter. Criteria: Invitae Variant Classification Sherloc (09022015). Collection method: clinical testing. Allele origin: germline.
Comment: This sequence change replaces leucine, which is neutral and non-polar, with proline, which is neutral and non-polar, at codon 82 of the TSFM protein (p.Leu82Pro). This variant is not present in population databases (gnomAD no frequency). This variant has not been reported in the literature in individuals affected with TSFM-related conditions. Invitae Evidence Modeling of protein sequence and biophysical properties (such as structural, functional, and spatial information, amino acid conservation, physicochemical variation, residue mobility, and thermodynamic stability) indicates that this missense variant is expected to disrupt TSFM protein function with a positive predictive value of 80%. In summary, the available evidence is currently insufficient to determine the role of this variant in disease. Therefore, it has been classified as a Variant of Uncertain Significance.